The following is an entry in ClinVar:

NM_001364905.1(LRBA):c.2259-7A>G

Gene: LRBA (LPS responsive beige-like anchor protein; minus strand). Cytogenetic location: 4q31.3.
Variant type: single nucleotide variant.
Coding change: c.2259-7A>G on transcript NM_001364905.1 (MANE Select); 7 bases into the intron before coding-DNA position 2259, A replaced by G.
Molecular consequence: intron variant.
Genome position (GRCh38, 1-based): chr4:150,871,460, T>C on the plus strand (A>G on the coding strand, the complement: LRBA is on the minus strand). VCF-style: chr4-150871460-T-C. GRCh37 (hg19) VCF-style: chr4-151792612-T-C.
Other names: c.2259-7A>G (NM_001367550.1, NM_006726.5, NM_001199282.3 and 2 more transcripts).
Identifiers: ClinVar variation 834740 (VCV000834740.5), dbSNP rs1753433346, ClinGen allele CA916082662.

ClinVar aggregate classification (germline): Uncertain significance (1 of 4 stars; one submission).

Conditions:
Combined immunodeficiency due to LRBA deficiency. Also called: Common variable immunodeficiency 8, with autoimmunity. Identifiers: Orphanet 445018, MedGen C3553512, MONDO:0013863, OMIM 614700.

Allele frequency attached by ClinVar (database versions not stated): gnomAD exomes below 0.00001; TOPMed below 0.00001; gnomAD 0.00001.

Submission:

Labcorp Genetics (formerly Invitae), Labcorp
Classification: Uncertain significance for Combined immunodeficiency due to LRBA deficiency. Last evaluated: 2021-10-12. Review status: criteria provided, single submitter. Criteria: Invitae Variant Classification Sherloc (09022015). Collection method: clinical testing. Allele origin: germline.
Comment: This sequence change falls in intron 18 of the LRBA gene. It does not directly change the encoded amino acid sequence of the LRBA protein. This variant is not present in population databases (ExAC no frequency). This variant has not been reported in the literature in individuals affected with LRBA-related conditions. Algorithms developed to predict the effect of sequence changes on RNA splicing suggest that this variant may disrupt the consensus splice site. In summary, the available evidence is currently insufficient to determine the role of this variant in disease. Therefore, it has been classified as a Variant of Uncertain Significance.